The following is an entry in ClinVar:

ClinVar aggregate classification (germline): Pathogenic (1 of 4 stars; one submission).

Submission:

Labcorp Genetics (formerly Invitae), Labcorp
Classification: Pathogenic. Last evaluated: 2023-08-07. Review status: criteria provided, single submitter. Criteria: Invitae Variant Classification Sherloc (09022015). Collection method: clinical testing. Allele origin: germline.
Comment: For these reasons, this variant has been classified as Pathogenic. This variant has not been reported in the literature in individuals affected with COL4A4-related conditions. This variant is not present in population databases (gnomAD no frequency). This sequence change creates a premature translational stop signal (p.Gly1392*) in the COL4A4 gene. It is expected to result in an absent or disrupted protein product. Loss-of-function variants in COL4A4 are known to be pathogenic (PMID: 21196518, 24854265, 25307543).

Literature cited by the submitters: PubMed 21196518; PubMed 24854265; PubMed 25307543.

NM_000092.5(COL4A4):c.4174G>T (p.Gly1392Ter)

Gene: COL4A4 (collagen type IV alpha 4 chain; minus strand). Cytogenetic location: 2q36.3.
Variant type: single nucleotide variant.
Coding change: c.4174G>T on transcript NM_000092.5 (MANE Select); coding-DNA position 4174, G replaced by T.
Protein change: p.Gly1392Ter; replaces glycine 1392 with a stop codon.
Molecular consequence: nonsense.
Genome position (GRCh38, 1-based): chr2:227,022,090, C>A on the plus strand (G>T on the coding strand, the complement: COL4A4 is on the minus strand). VCF-style: chr2-227022090-C-A. GRCh37 (hg19) VCF-style: chr2-227886806-C-A.
Other names: short protein forms G1392*.
Identifiers: ClinVar variation 2751001 (VCV002751001.3), dbSNP rs2473006423, ClinGen allele CA350836710.